The following is an entry in ClinVar:

NC_012920.1(MT-TV):m.1646T>C

Gene: MT-TV (mitochondrially encoded tRNA valine; plus strand).
Variant type: single nucleotide variant.
Genome position: chrM-1646-T-C.
Identifiers: ClinVar variation 689847 (VCV000689847.1), dbSNP rs1603218598, ClinGen allele CA913163383.
Genomic context (GRCh38, chrMT:1,646, plus strand): 5'-GTGCACTTGGACGAACCAGAGTGTAGCTTAACACAAAGCACCCAACTTACACTTAGGAGA[T>C]TTCAACTTAACTTGACCGCTCTGAGCTAAACCTAGCCCCAAACCCACTCCACCTTACTAC-3'

ClinVar aggregate classification (germline): Benign (1 of 4 stars; one submission).

Conditions:
MELAS syndrome (MELAS). Also called: Juvenile myopathy, encephalopathy, lactic acidosis, stroke. Identifiers: Orphanet 550, MedGen C0162671, MONDO:0010789, OMIM 540000.

Submission:

Wong Mito Lab, Molecular and Human Genetics, Baylor College of Medicine
Classification: Benign for MELAS syndrome. Last evaluated: 2019-07-12. Review status: criteria provided, single submitter. Criteria: Modified ACMG Guidelines (Unpublished). Collection method: clinical testing. Allele origin: germline.
Comment: The NC_012920.1:m.1646T>C variant in MT-TV gene is interpreted to be a Benign variant based on the modified ACMG guidelines (unpublished). This variant meets the following evidence codes reported in the guidelines: BS1, BS4, BP4

Literature cited by the submitters: PubMed 31965079.